The following is an entry in ClinVar:

NM_016599.5(MYOZ2):c.504T>C (p.Pro168=)

Gene: MYOZ2 (myozenin 2; plus strand). Cytogenetic location: 4q26.
Variant type: single nucleotide variant.
Coding change: c.504T>C on transcript NM_016599.5 (MANE Select); coding-DNA position 504, T replaced by C.
Protein change: p.Pro168=; no amino-acid change (proline 168 retained).
Molecular consequence: synonymous variant.
Genome position (GRCh38, 1-based): chr4:119,164,338, T>C. VCF-style: chr4-119164338-T-C. GRCh37 (hg19) VCF-style: chr4-120085493-T-C.
Identifiers: ClinVar variation 227712 (VCV000227712.11), dbSNP rs769668877, ClinGen allele CA3058654.
Genomic context (GRCh38, chr4:119,164,338, plus strand): 5'-TCAATCTCCCTGGGAACAAGCCATTAGCAATGATCCGGAGCTTTTAGAGGCTTTATATCC[T>C]AAACTTTTCAAGCCTGAAGGAAAGGCAGAACTGCCTGATTACAGGAGCTTTAACAGGTAA-3'
Protein context (NP_057683.1, residues 158-178): NDPELLEALY[Pro168=]KLFKPEGKAE

ClinVar aggregate classification (germline): Likely benign. Review status: criteria provided, multiple submitters, no conflicts (2 of 4 stars). 3 submissions from 3 submitters: Likely benign (3). Last evaluated 2026-01-12.

Conditions:
Cardiovascular phenotype. Identifiers: MedGen CN230736.
Hypertrophic cardiomyopathy. Also called: HYPERTROPHIC MYOCARDIOPATHY. Identifiers: Orphanet 217569, MedGen C0007194, MeSH D002312, MONDO:0005045, HP:0001639.

Allele frequency attached by ClinVar (database versions not stated): TOPMed 0.00001; gnomAD 0.00002; gnomAD exomes below 0.00001 and 0.00001; ExAC 0.00001.
gnomAD v4.1: 4 of 1,613,970 alleles (0.00025%); highest among the groups gnomAD compares: African/African-American, 0.004%; no homozygotes.

Submissions (3):

Labcorp Genetics (formerly Invitae), Labcorp
Classification: Likely benign for Hypertrophic cardiomyopathy. Last evaluated: 2026-01-12. Review status: criteria provided, single submitter. Criteria: Invitae Variant Classification Sherloc (09022015). Collection method: clinical testing. Allele origin: germline.

Ambry Genetics
Classification: Likely benign for Cardiovascular phenotype. Last evaluated: 2020-08-25. Review status: criteria provided, single submitter. Criteria: Ambry Variant Classification Scheme 2023. Collection method: clinical testing. Allele origin: germline.

Laboratory for Molecular Medicine, Mass General Brigham Personalized Medicine
Classification: Likely benign. Last evaluated: 2015-01-28. Review status: criteria provided, single submitter. Criteria: LMM Criteria. Collection method: clinical testing. Allele origin: germline. Observed: 1 variant allele.
Comment: p.Pro168Pro in exon 5 of MYOZ2: This variant is not expected to have clinical si gnificance because it does not alter an amino acid residue and is not located wi thin the splice consensus sequence. It has been identified in 1/10270 African ch romosomes by the Exome Aggregation Consortium (ExAC. org).